The following is an entry in ClinVar:

NM_001042492.3(NF1):c.6835_6836dup (p.Leu2279fs)

Gene: NF1 (neurofibromin 1; plus strand). Cytogenetic location: 17q11.2.
Variant type: Duplication.
Coding change: c.6835_6836dup on transcript NM_001042492.3 (MANE Select); coding-DNA positions 6835 to 6836, 2 bases duplicated (TT; older notation c.6835_6836dupTT).
Protein change: p.Leu2279fs; shifts the reading frame from leucine 2279.
Molecular consequence: frameshift variant.
Genome position (GRCh38, 1-based): chr17:31,338,719-31,338,720, TT duplicated. VCF-style (leftmost placement, unchanged base first): chr17-31338718-C-CTT. GRCh37 (hg19) VCF-style: chr17-29665736-C-CTT.
Other names: c.6772_6773dup, p.Leu2258Phefs (NM_000267.4); c.6772_6773dupTT (NM_000267.3); short protein forms L2258fs, L2279fs.
Identifiers: ClinVar variation 662994 (VCV000662994.5), dbSNP rs1597845926, ClinGen allele CA915949969.

ClinVar aggregate classification (germline): Pathogenic (1 of 4 stars; one submission).

Conditions:
Neurofibromatosis, type 1 (NF1). Also called: VON RECKLINGHAUSEN DISEASE; NEUROFIBROMATOSIS, TYPE I, SOMATIC; Peripheral type neurofibromatosis; Neurofibromatosis, type I. Identifiers: Orphanet 636, MedGen C0027831, MONDO:0018975, OMIM 162200. Disease mechanism: loss of function.

Submission:

Labcorp Genetics (formerly Invitae), Labcorp
Classification: Pathogenic for Neurofibromatosis, type 1. Last evaluated: 2018-09-27. Review status: criteria provided, single submitter. Criteria: Invitae Variant Classification Sherloc (09022015). Collection method: clinical testing. Allele origin: germline.
Comment: For these reasons, this variant has been classified as Pathogenic. Loss-of-function variants in NF1 are known to be pathogenic (PMID: 10712197, 23913538). This variant has not been reported in the literature in individuals with NF1-related disease. This variant is not present in population databases (ExAC no frequency). This sequence change creates a premature translational stop signal (p.Leu2258Phefs*2) in the NF1 gene. It is expected to result in an absent or disrupted protein product.

Literature cited by the submitters: PubMed 10712197; PubMed 23913538.